The following is an entry in ClinVar:

NM_000426.4(LAMA2):c.9252C>G (p.Phe3084Leu)

Gene: LAMA2 (laminin subunit alpha 2; plus strand). Cytogenetic location: 6q22.33.
Variant type: single nucleotide variant.
Coding change: c.9252C>G on transcript NM_000426.4 (MANE Select); coding-DNA position 9252, C replaced by G.
Protein change: p.Phe3084Leu; replaces phenylalanine 3084 with leucine.
Molecular consequence: missense variant.
Genome position (GRCh38, 1-based): chr6:129,516,230, C>G. VCF-style: chr6-129516230-C-G. GRCh37 (hg19) VCF-style: chr6-129837375-C-G.
Other names: c.9252C>G (NM_000426.3); c.9240C>G, p.Phe3080Leu (NM_001079823.2); short protein forms F3080L, F3084L.
Identifiers: ClinVar variation 1010407 (VCV001010407.7), dbSNP rs763815272, ClinGen allele CA365637266.

ClinVar aggregate classification (germline): Uncertain significance. Review status: criteria provided, multiple submitters, no conflicts (2 of 4 stars). 2 submissions from 2 submitters: Uncertain significance (2). Last evaluated 2022-03-22.

Conditions:
Inborn genetic diseases. Identifiers: MedGen C0950123, MeSH D030342.
LAMA2-related muscular dystrophy (LAMA2-RD). Also called: Laminin alpha 2-related dystrophy. Identifiers: MedGen C5679788, MONDO:0100228.

gnomAD v4.1: 2 of 1,614,064 alleles (0.00012%); highest among the groups gnomAD compares: Non-Finnish European, 0.00017%; no homozygotes.

Submissions (2):

Labcorp Genetics (formerly Invitae), Labcorp
Classification: Uncertain significance for LAMA2-related muscular dystrophy. Last evaluated: 2022-03-22. Review status: criteria provided, single submitter. Criteria: Invitae Variant Classification Sherloc (09022015). Collection method: clinical testing. Allele origin: germline.
Comment: This sequence change replaces phenylalanine, which is neutral and non-polar, with leucine, which is neutral and non-polar, at codon 3084 of the LAMA2 protein (p.Phe3084Leu). This variant is not present in population databases (gnomAD no frequency). This variant has not been reported in the literature in individuals affected with LAMA2-related conditions. ClinVar contains an entry for this variant (Variation ID: 1010407). Advanced modeling of protein sequence and biophysical properties (such as structural, functional, and spatial information, amino acid conservation, physicochemical variation, residue mobility, and thermodynamic stability) performed at Invitae indicates that this missense variant is not expected to disrupt LAMA2 protein function. In summary, the available evidence is currently insufficient to determine the role of this variant in disease. Therefore, it has been classified as a Variant of Uncertain Significance.

Ambry Genetics
Classification: Uncertain significance for Inborn genetic diseases. Last evaluated: 2021-08-19. Review status: criteria provided, single submitter. Criteria: Ambry Variant Classification Scheme 2023. Collection method: clinical testing. Allele origin: germline.